The following is an entry in ClinVar:

ClinVar aggregate classification (germline): Conflicting classifications of pathogenicity. Review status: criteria provided, conflicting classifications (1 of 4 stars). 8 submissions from 6 submitters: Uncertain significance (3); Likely benign (5). Last evaluated 2025-11-27.

Conditions:
RYR1-related disorder. Also called: RYR1-related condition; RYR1-related disorders. Identifiers: MedGen CN239331.
Central core myopathy (CMYO1A). Also called: CONGENITAL MYOPATHY 1A, AUTOSOMAL DOMINANT, WITH SUSCEPTIBILITY TO MALIGNANT HYPERTHERMIA; Central core disease; Myopathy, central fibrillar. Identifiers: Orphanet 597, MedGen C5830701, MONDO:0007294, OMIM 117000.
Malignant hyperthermia, susceptibility to, 1 (MHS1). Also called: RYR1-Related Malignant Hyperthermia Susceptibility; Anesthesia related hyperthermia; Malignant hyperpyrexia; Fulminating hyperpyrexia; Pharmacogenic myopathy; Malignant hyperthermia suceptibility 1. Identifiers: Orphanet 423, MedGen C2930980, MONDO:0007783, OMIM 145600.
Congenital multicore myopathy with external ophthalmoplegia (CMYO1B). Also called: Congenital myopathy 1B, autosomal recessive; Minicore myopathy; MULTICORE MYOPATHY; Minicore myopathy with external ophthalmoplegia; MULTIMINICORE DISEASE WITH EXTERNAL OPHTHALMOPLEGIA. Identifiers: Orphanet 598, Orphanet 98905, MedGen C1850674, MONDO:0009712, OMIM 255320, HP:0003789.

Allele frequency attached by ClinVar (database versions not stated): gnomAD 0.00007; TOPMed 0.00010; gnomAD exomes 0.00011 and 0.00018; ExAC 0.00015.
gnomAD v4.1: 269 of 1,611,374 alleles (0.017%); highest among the groups gnomAD compares: Non-Finnish European, 0.022%; no homozygotes.

Submissions (8):

Labcorp Genetics (formerly Invitae), Labcorp
Classification: Likely benign for RYR1-related disorder. Last evaluated: 2025-11-27. Review status: criteria provided, single submitter. Criteria: Invitae Variant Classification Sherloc (09022015). Collection method: clinical testing. Allele origin: germline.

Blueprint Genetics
Classification: Likely benign. Last evaluated: 2024-02-29. Review status: criteria provided, single submitter. Criteria: ACMG Guidelines, 2015. Collection method: clinical testing. Allele origin: germline.

Color Diagnostics, LLC DBA Color Health
Classification: Likely benign for Malignant hyperthermia, susceptibility to, 1. Last evaluated: 2022-11-08. Review status: criteria provided, single submitter. Criteria: ACMG Guidelines, 2015. Collection method: clinical testing. Allele origin: germline.

Illumina Laboratory Services, Illumina
Classification: Uncertain significance for Malignant hyperthermia, susceptibility to, 1. Last evaluated: 2018-05-01. Review status: criteria provided, single submitter. Criteria: ICSL Variant Classification Criteria 13 December 2019. Collection method: clinical testing. Allele origin: germline.

Illumina Laboratory Services, Illumina
Classification: Uncertain significance for Central core myopathy. Last evaluated: 2018-05-01. Review status: criteria provided, single submitter. Criteria: ICSL Variant Classification Criteria 13 December 2019. Collection method: clinical testing. Allele origin: germline.

Illumina Laboratory Services, Illumina
Classification: Uncertain significance for Congenital multicore myopathy with external ophthalmoplegia. Last evaluated: 2018-05-01. Review status: criteria provided, single submitter. Criteria: ICSL Variant Classification Criteria 13 December 2019. Collection method: clinical testing. Allele origin: germline.

GeneDx
Classification: Likely benign. Last evaluated: 2018-02-21. Review status: criteria provided, single submitter. Criteria: GeneDx Variant Classification (06012015). Collection method: clinical testing. Allele origin: germline. Affected: yes.
Comment: This variant is considered likely benign or benign based on one or more of the following criteria: it is a conservative change, it occurs at a poorly conserved position in the protein, it is predicted to be benign by multiple in silico algorithms, and/or has population frequency not consistent with disease.

PreventionGenetics, part of Exact Sciences
Classification: Likely benign. Review status: criteria provided, single submitter. Criteria: ACMG Guidelines, 2015. Collection method: clinical testing. Allele origin: germline.

NM_000540.3(RYR1):c.11260-13C>T

Gene: RYR1 (ryanodine receptor 1; plus strand). Cytogenetic location: 19q13.2.
Variant type: single nucleotide variant.
Coding change: c.11260-13C>T on transcript NM_000540.3 (MANE Select); 13 bases into the intron before coding-DNA position 11260, C replaced by T.
Molecular consequence: intron variant.
Genome position (GRCh38, 1-based): chr19:38,534,707, C>T. VCF-style: chr19-38534707-C-T. GRCh37 (hg19) VCF-style: chr19-39025347-C-T.
Other names: c.11245-13C>T (NM_001042723.2).
Identifiers: ClinVar variation 256401 (VCV000256401.16), dbSNP rs540088883, ClinGen allele CA056599.